The following is an entry in ClinVar:

NM_172107.4(KCNQ2):c.1375C>T (p.Gln459Ter)

Gene: KCNQ2 (potassium voltage-gated channel subfamily Q member 2; minus strand). Cytogenetic location: 20q13.33.
Variant type: single nucleotide variant.
Coding change: c.1375C>T on transcript NM_172107.4 (MANE Select); coding-DNA position 1375, C replaced by T.
Protein change: p.Gln459Ter; replaces glutamine 459 with a stop codon.
Molecular consequence: nonsense.
Genome position (GRCh38, 1-based): chr20:63,415,053, G>A on the plus strand (C>T on the coding strand, the complement: KCNQ2 is on the minus strand). VCF-style: chr20-63415053-G-A. GRCh37 (hg19) VCF-style: chr20-62046406-G-A.
Other names: c.1375C>T (NM_172107.2); c.1321C>T, p.Gln441Ter (NM_001382235.1, NM_172106.3); c.1291C>T, p.Gln431Ter (NM_004518.6); c.1285C>T, p.Gln429Ter (NM_172108.5); short protein forms Q429*, Q459*, Q431*, Q441*.
Identifiers: ClinVar variation 1458320 (VCV001458320.7), dbSNP rs2145556764, ClinGen allele CA409646718.

ClinVar aggregate classification (germline): Pathogenic/Likely pathogenic. Review status: criteria provided, multiple submitters, no conflicts (2 of 4 stars). 2 submissions from 2 submitters: Pathogenic (1); Likely pathogenic (1). Last evaluated 2025-08-15.

Conditions:
Early-infantile DEE. Also called: Early infantile epileptic encephalopathy with suppression bursts; Early infantile epileptic encephalopathy; Ohtahara syndrome. Identifiers: Orphanet 1934, MedGen C0393706, MONDO:0800491.

Submissions (2):

GeneDx
Classification: Likely pathogenic. Last evaluated: 2025-08-15. Review status: criteria provided, single submitter. Criteria: GeneDx Variant Classification Process June 2021. Collection method: clinical testing. Allele origin: germline. Affected: yes.
Comment: Nonsense variant predicted to result in protein truncation or nonsense mediated decay in a gene for which loss of function is a known mechanism of disease; Not observed at significant frequency in large population cohorts (gnomAD); Has not been previously published as pathogenic or benign to our knowledge

Labcorp Genetics (formerly Invitae), Labcorp
Classification: Pathogenic for Early-infantile DEE. Last evaluated: 2023-12-07. Review status: criteria provided, single submitter. Criteria: Invitae Variant Classification Sherloc (09022015). Collection method: clinical testing. Allele origin: germline.
Comment: This sequence change creates a premature translational stop signal (p.Gln459*) in the KCNQ2 gene. It is expected to result in an absent or disrupted protein product. Loss-of-function variants in KCNQ2 are known to be pathogenic (PMID: 14534157, 23692823, 27779742). This variant is not present in population databases (gnomAD no frequency). This variant has not been reported in the literature in individuals affected with KCNQ2-related conditions. ClinVar contains an entry for this variant (Variation ID: 1458320). For these reasons, this variant has been classified as Pathogenic.

Literature cited by the submitters: PubMed 14534157 (cited by Labcorp Genetics (formerly Invitae), Labcorp); PubMed 23692823 (cited by Labcorp Genetics (formerly Invitae), Labcorp); PubMed 27779742 (cited by Labcorp Genetics (formerly Invitae), Labcorp).